The following is an entry in ClinVar:

NM_002067.5(GNA11):c.899G>A (p.Arg300Gln)

Gene: GNA11 (G protein subunit alpha 11; plus strand). Cytogenetic location: 19p13.3.
Variant type: single nucleotide variant.
Coding change: c.899G>A on transcript NM_002067.5 (MANE Select); coding-DNA position 899, G replaced by A.
Protein change: p.Arg300Gln; replaces arginine 300 with glutamine.
Molecular consequence: missense variant.
Genome position (GRCh38, 1-based): chr19:3,120,998, G>A. VCF-style: chr19-3120998-G-A. GRCh37 (hg19) VCF-style: chr19-3120996-G-A.
Other names: c.899G>A (NM_002067.2); short protein forms R300Q.
Identifiers: ClinVar variation 2755656 (VCV002755656.5), dbSNP rs919502623, ClinGen allele CA304332371.

ClinVar aggregate classification (germline): Uncertain significance. Review status: criteria provided, multiple submitters, no conflicts (2 of 4 stars). 3 submissions from 3 submitters: Uncertain significance (3). Last evaluated 2025-11-11.

Conditions:
Inborn genetic diseases. Identifiers: MedGen C0950123, MeSH D030342.
Familial hypocalciuric hypercalcemia 2. Also called: FAMILIAL BENIGN HYPERCALCEMIA, TYPE II; Hypocalciuric hypercalcemia, type II; Hypocalciuric hypercalcemia, familial, type II. Identifiers: Orphanet 101049, Orphanet 405, MedGen C1840347, MONDO:0007792, OMIM 145981.
Autosomal dominant hypocalcemia 2. Identifiers: Orphanet 2238, Orphanet 428, MedGen C3809243, MONDO:0014146, OMIM 615361.

Allele frequency attached by ClinVar (database versions not stated): gnomAD 0.00001; gnomAD exomes 0.00001; TOPMed 0.00002.
gnomAD v4.1: 12 of 1,612,574 alleles (0.00074%); highest among the groups gnomAD compares: African/African-American, 0.004%; no homozygotes.

Submissions (3):

Ambry Genetics
Classification: Uncertain significance for Inborn genetic diseases. Last evaluated: 2025-11-11. Review status: criteria provided, single submitter. Criteria: Ambry Variant Classification Scheme 2023. Collection method: clinical testing. Allele origin: germline.

Fulgent Genetics
Classification: Uncertain significance for Familial hypocalciuric hypercalcemia 2; Autosomal dominant hypocalcemia 2. Last evaluated: 2024-06-03. Review status: criteria provided, single submitter. Criteria: ACMG Guidelines, 2015. Collection method: clinical testing. Allele origin: germline.

Labcorp Genetics (formerly Invitae), Labcorp
Classification: Uncertain significance. Last evaluated: 2023-08-16. Review status: criteria provided, single submitter. Criteria: Invitae Variant Classification Sherloc (09022015). Collection method: clinical testing. Allele origin: germline.
Comment: In summary, the available evidence is currently insufficient to determine the role of this variant in disease. Therefore, it has been classified as a Variant of Uncertain Significance. An algorithm developed to predict the effect of missense changes on protein structure and function (PolyPhen-2) suggests that this variant is likely to be tolerated. This variant has not been reported in the literature in individuals affected with GNA11-related conditions. This variant is present in population databases (no rsID available, gnomAD 0.007%). This sequence change replaces arginine, which is basic and polar, with glutamine, which is neutral and polar, at codon 300 of the GNA11 protein (p.Arg300Gln).